The following is an entry in ClinVar:

ClinVar aggregate classification (germline): Pathogenic (1 of 4 stars; one submission).

Submission:

CeGaT Center for Human Genetics Tuebingen
Classification: Pathogenic. Last evaluated: 2026-05-01. Review status: criteria provided, single submitter. Criteria: CeGaT Center For Human Genetics Tuebingen Variant Classification Criteria Version 2. Collection method: clinical testing. Allele origin: germline. Affected: yes. Observed: 1 variant allele.
Comment: NR3C2: PVS1, PM2

NM_000901.5(NR3C2):c.454_455del (p.Ser152fs)

Gene: NR3C2 (nuclear receptor subfamily 3 group C member 2; minus strand). Cytogenetic location: 4q31.23.
Variant type: Deletion.
Coding change: c.454_455del on transcript NM_000901.5 (MANE Select); coding-DNA positions 454 to 455, 2 bases deleted (TC; older notation c.454_455delTC).
Protein change: p.Ser152fs; shifts the reading frame from serine 152.
Molecular consequence: frameshift variant. On other transcripts: non-coding transcript variant (1).
Genome position (GRCh38, 1-based): chr4:148,436,406-148,436,407, GA deleted on the plus strand (TC on the coding strand, the reverse complement: NR3C2 is on the minus strand). VCF-style (leftmost placement, unchanged base first): chr4-148436405-GGA-G. GRCh37 (hg19) VCF-style: chr4-149357557-GGA-G.
Other names: c.454_455del, p.Ser152fs (NM_001166104.2, NM_001354819.1, NM_001437654.1 and 4 more transcripts); short protein forms S152fs.
Identifiers: ClinVar variation 4874890 (VCV004874890.2).